The following is an entry in ClinVar:

NM_004544.4(NDUFA10):c.977G>A (p.Arg326His)

Gene: NDUFA10 (NADH:ubiquinone oxidoreductase subunit A10; minus strand). Cytogenetic location: 2q37.3.
Variant type: single nucleotide variant.
Coding change: c.977G>A on transcript NM_004544.4 (MANE Select); coding-DNA position 977, G replaced by A.
Protein change: p.Arg326His; replaces arginine 326 with histidine.
Molecular consequence: missense variant. On other transcripts: non-coding transcript variant (2), intron variant (1).
Genome position (GRCh38, 1-based): chr2:239,990,096, C>T on the plus strand (G>A on the coding strand, the complement: NDUFA10 is on the minus strand). VCF-style: chr2-239990096-C-T. GRCh37 (hg19) VCF-style: chr2-240929513-C-T.
Other names: c.977G>A, p.Arg326His (NM_001322019.2, NM_001410987.1); c.890+15114G>A (NM_001322020.2); short protein forms R326H.
Identifiers: ClinVar variation 1911755 (VCV001911755.5), dbSNP rs1411943694, ClinGen allele CA351270335.

ClinVar aggregate classification (germline): Uncertain significance (1 of 4 stars; one submission).

Allele frequency attached by ClinVar (database versions not stated): gnomAD exomes below 0.00001; TOPMed below 0.00001; gnomAD 0.00002.
gnomAD v4.1: 7 of 1,611,936 alleles (0.00043%); highest among the groups gnomAD compares: African/African-American, 0.0027%; no homozygotes.

Submission:

Labcorp Genetics (formerly Invitae), Labcorp
Classification: Uncertain significance. Last evaluated: 2022-03-02. Review status: criteria provided, single submitter. Criteria: Invitae Variant Classification Sherloc (09022015). Collection method: clinical testing. Allele origin: germline.
Comment: Algorithms developed to predict the effect of missense changes on protein structure and function (SIFT, PolyPhen-2, Align-GVGD) all suggest that this variant is likely to be tolerated. In summary, the available evidence is currently insufficient to determine the role of this variant in disease. Therefore, it has been classified as a Variant of Uncertain Significance. This variant has not been reported in the literature in individuals affected with NDUFA10-related conditions. This sequence change replaces arginine, which is basic and polar, with histidine, which is basic and polar, at codon 326 of the NDUFA10 protein (p.Arg326His). This variant is present in population databases (no rsID available, gnomAD 0.007%).